The following is an entry in ClinVar:

NC_000016.10:g.(89782919_89783006)_(89783103_89784853)del

Gene: FANCA (FA complementation group A; minus strand). Cytogenetic location: 16q24.3.
Variant type: Deletion.
Identifiers: ClinVar variation 974222 (VCV000974222.1).

ClinVar aggregate classification (germline): Pathogenic (0 of 4 stars; one submission).

Conditions:
Fanconi anemia complementation group A (FANCA). Also called: Fanconi anemia, group A; FANCA-Related Fanconi Anemia. Identifiers: Orphanet 84, MedGen C3469521, MONDO:0009215, OMIM 227650.

Submission:

Leiden Open Variation Database
Classification: Pathogenic for Fanconi anemia complementation group A. Last evaluated: 2020-02-28. Review status: no assertion criteria provided. Collection method: curation. Allele origin: germline. Affected: yes.
Comment: Curator: Arleen D. Auerbach. Submitters to LOVD: Arleen D. Auerbach, Johan de Winter.

Literature cited by the submitters: PubMed 17924555.